The following is an entry in ClinVar:

ClinVar aggregate classification (germline): Uncertain significance (1 of 4 stars; one submission).

Allele frequency attached by ClinVar (database versions not stated): gnomAD exomes below 0.00001.

Submission:

GeneDx
Classification: Uncertain significance. Last evaluated: 2022-12-02. Review status: criteria provided, single submitter. Criteria: GeneDx Variant Classification Process June 2021. Collection method: clinical testing. Allele origin: germline. Affected: yes.
Comment: In silico analysis supports that this missense variant does not alter protein structure/function; Has not been previously published as pathogenic or benign to our knowledge

NM_030632.3(ASXL3):c.3413G>A (p.Gly1138Glu)

Gene: ASXL3 (ASXL transcriptional regulator 3; plus strand). Cytogenetic location: 18q12.1.
Variant type: single nucleotide variant.
Coding change: c.3413G>A on transcript NM_030632.3 (MANE Select); coding-DNA position 3413, G replaced by A.
Protein change: p.Gly1138Glu; replaces glycine 1138 with glutamic acid.
Molecular consequence: missense variant.
Genome position (GRCh38, 1-based): chr18:33,743,261, G>A. VCF-style: chr18-33743261-G-A. GRCh37 (hg19) VCF-style: chr18-31323225-G-A.
Other names: short protein forms G1138E.
Identifiers: ClinVar variation 1802029 (VCV001802029.1), dbSNP rs1457828020, ClinGen allele CA402185284.